The following is an entry in ClinVar:

ClinVar aggregate classification (germline): Likely benign. Review status: criteria provided, multiple submitters, no conflicts (2 of 4 stars). 3 submissions from 3 submitters: Likely benign (3). Last evaluated 2026-01-27.

Conditions:
Nephrolithiasis, calcium oxalate. Also called: Calcium oxalate urolithiasis. Identifiers: MedGen C1833683, MONDO:0957318, HP:0008672.

Allele frequency attached by ClinVar (database versions not stated): ESP Exome Variant Server 0.00008; gnomAD exomes 0.00014.
gnomAD v4.1: 315 of 1,612,768 alleles (0.02%); highest among the groups gnomAD compares: Middle Eastern, 0.15%; 1 homozygote.

Submissions (3):

Labcorp Genetics (formerly Invitae), Labcorp
Classification: Likely benign. Last evaluated: 2026-01-27. Review status: criteria provided, single submitter. Criteria: Invitae Variant Classification Sherloc (09022015). Collection method: clinical testing. Allele origin: germline.

Mayo Clinic Laboratories, Mayo Clinic
Classification: Likely benign. Last evaluated: 2025-01-31. Review status: criteria provided, single submitter. Criteria: ACMG Guidelines, 2015. Collection method: clinical testing. Allele origin: germline. Observed: 1 variant allele.
Comment: BP4, BP7

Fulgent Genetics
Classification: Likely benign for Nephrolithiasis susceptibility caused by SLC26A1. Last evaluated: 2021-11-30. Review status: criteria provided, single submitter. Criteria: ACMG Guidelines, 2015. Collection method: clinical testing. Allele origin: unknown.

NM_022042.4(SLC26A1):c.315C>G (p.Ser105=)

Genes: IDUA (alpha-L-iduronidase; plus strand), SLC26A1 (solute carrier family 26 member 1; minus strand). Cytogenetic location: 4p16.3.
Variant type: single nucleotide variant.
Coding change: c.315C>G on transcript NM_022042.4 (MANE Select); coding-DNA position 315, C replaced by G.
Protein change: p.Ser105=; no amino-acid change (serine 105 retained).
Molecular consequence: synonymous variant. On other transcripts: intron variant (1).
Genome position (GRCh38, 1-based): chr4:991,389, G>C on the plus strand (C>G on the coding strand, the complement: SLC26A1 is on the minus strand). VCF-style: chr4-991389-G-C. GRCh37 (hg19) VCF-style: chr4-985177-G-C.
Other names: p.Ser105=; c.315C>G, p.Ser105= (NM_134425.4, NM_213613.4); c.299+3440G>C (NM_000203.5).
Identifiers: ClinVar variation 1607740 (VCV001607740.10), dbSNP rs377636525, ClinGen allele CA2801709.